The following is an entry in ClinVar:

ClinVar aggregate classification (germline): Uncertain significance (1 of 4 stars; one submission).

Conditions:
FG syndrome (FGS). Identifiers: MedGen C0220769, MONDO:0002010.

Submission:

Labcorp Genetics (formerly Invitae), Labcorp
Classification: Uncertain significance for FG syndrome. Last evaluated: 2024-09-09. Review status: criteria provided, single submitter. Criteria: Invitae Variant Classification Sherloc (09022015). Collection method: clinical testing. Allele origin: germline.
Comment: This variant, c.6177_6191dup, results in the insertion of 5 amino acid(s) of the MED12 protein (p.Gln2072_Gln2076dup), but otherwise preserves the integrity of the reading frame. The frequency data for this variant in the population databases is considered unreliable, as metrics indicate poor data quality at this position in the gnomAD database. This variant has not been reported in the literature in individuals affected with MED12-related conditions. In summary, the available evidence is currently insufficient to determine the role of this variant in disease. Therefore, it has been classified as a Variant of Uncertain Significance.

NM_005120.3(MED12):c.6177_6191dup (p.Gln2076_Tyr2077insGlnGlnGlnGlnGln)

Gene: MED12 (mediator complex subunit 12; plus strand). Cytogenetic location: Xq13.1.
Variant type: Duplication.
Coding change: c.6177_6191dup on transcript NM_005120.3 (MANE Select); coding-DNA positions 6177 to 6191, 15 bases duplicated (ACAGCAACAGCAGCA).
Protein change: p.Gln2076_Tyr2077insGlnGlnGlnGlnGln.
Molecular consequence: inframe insertion.
Genome position (GRCh38, 1-based): chrX:71,140,767-71,140,781, ACAGCAACAGCAGCA duplicated; duplicating any 15 consecutive bases within chrX:71,140,753-71,140,781 gives the same sequence; the c. name uses the placement nearest the transcript's 3' end. VCF-style (leftmost placement, unchanged base first): chrX-71140752-G-GCAGCAACAGCAGCAA. GRCh37 (hg19) VCF-style: chrX-70360602-G-GCAGCAACAGCAGCAA.
Identifiers: ClinVar variation 3606860 (VCV003606860.2).